The following is an entry in ClinVar:

NM_003793.4(CTSF):c.722-7C>T

Gene: CTSF (cathepsin F; minus strand). Cytogenetic location: 11q13.2.
Variant type: single nucleotide variant.
Coding change: c.722-7C>T on transcript NM_003793.4 (MANE Select); 7 bases into the intron before coding-DNA position 722, C replaced by T.
Molecular consequence: intron variant.
Genome position (GRCh38, 1-based): chr11:66,566,174, G>A on the plus strand (C>T on the coding strand, the complement: CTSF is on the minus strand). VCF-style: chr11-66566174-G-A. GRCh37 (hg19) VCF-style: chr11-66333645-G-A.
Identifiers: ClinVar variation 4994151 (VCV004994151.1).

ClinVar aggregate classification (germline): Likely benign (1 of 4 stars; one submission).

Conditions:
CTSF-related disorder. Also called: CTSF-related condition.

gnomAD v4.1: 2 of 1,613,876 alleles (0.00012%); highest among the groups gnomAD compares: Non-Finnish European, 0.000085%; no homozygotes.

Submission:

PreventionGenetics, part of Exact Sciences
Classification: Likely benign for CTSF-related condition. Last evaluated: 2025-11-09. Review status: criteria provided, single submitter. Criteria: ACMG Guidelines, 2015. Collection method: clinical testing. Allele origin: germline.
Comment: This variant is classified as likely benign based on ACMG/AMP sequence variant interpretation guidelines (Richards et al. 2015 PMID: 25741868, with internal and published modifications).